The following is an entry in ClinVar:

ClinVar aggregate classification (germline): Likely pathogenic (1 of 4 stars; one submission).

Conditions:
Dilated cardiomyopathy 1G (CMD1G). Identifiers: Orphanet 154, MedGen C1858763, MONDO:0011400, OMIM 604145.
Autosomal recessive limb-girdle muscular dystrophy type 2J (LGMDR10). Also called: Limb-girdle muscular dystrophy, type 2J; MUSCULAR DYSTROPHY, LIMB-GIRDLE, AUTOSOMAL RECESSIVE 10. Identifiers: Orphanet 140922, MedGen C1837342, MONDO:0012127, OMIM 608807.

gnomAD v4.1: 1 of 1,613,600 alleles (0.000062%); highest among the groups gnomAD compares: Non-Finnish European, 0.000085%; no homozygotes.

Submission:

Labcorp Genetics (formerly Invitae), Labcorp
Classification: Likely pathogenic for Dilated cardiomyopathy 1G; Autosomal recessive limb-girdle muscular dystrophy type 2J. Last evaluated: 2025-01-12. Review status: criteria provided, single submitter. Criteria: Invitae Variant Classification Sherloc (09022015). Collection method: clinical testing. Allele origin: germline.
Comment: This sequence change creates a premature translational stop signal (p.Tyr28486*) in the TTN gene. While this is not anticipated to result in nonsense mediated decay, it is expected to create a truncated TTN protein. This variant is not present in population databases (gnomAD no frequency). This variant has not been reported in the literature in individuals affected with TTN-related conditions. This variant is located in the A band of TTN (PMID: 25589632). Truncating variants in this region are significantly overrepresented in patients affected with dilated cardiomyopathy (PMID: 25589632). Truncating variants in this region have also been reported in individuals affected with autosomal recessive centronuclear myopathy (PMID: 23975875). In summary, the currently available evidence indicates that the variant is pathogenic, but additional data are needed to prove that conclusively. Therefore, this variant has been classified as Likely Pathogenic.

Literature cited by the submitters: PubMed 25589632; PubMed 23975875.

NM_001267550.2(TTN):c.85458C>G (p.Tyr28486Ter)

Genes: TTN-AS1 (TTN antisense RNA 1; plus strand), TTN (titin; minus strand). Cytogenetic location: 2q31.2.
Variant type: single nucleotide variant.
Coding change: c.85458C>G on transcript NM_001267550.2 (MANE Select); coding-DNA position 85458, C replaced by G.
Protein change: p.Tyr28486Ter; replaces tyrosine 28486 with a stop codon.
Molecular consequence: nonsense.
Genome position (GRCh38, 1-based): chr2:178,560,674, G>C on the plus strand (C>G on the coding strand, the complement: TTN is on the minus strand). VCF-style: chr2-178560674-G-C. GRCh37 (hg19) VCF-style: chr2-179425401-G-C.
Other names: c.80535C>G, p.Tyr26845Ter (NM_001256850.1); c.58263C>G, p.Tyr19421Ter (NM_003319.4); c.77754C>G, p.Tyr25918Ter (NM_133378.4); c.58638C>G, p.Tyr19546Ter (NM_133432.3); c.58839C>G, p.Tyr19613Ter (NM_133437.4); short protein forms Y19421*, Y19546*, Y19613*, Y25918*, Y26845*, Y28486*.
Identifiers: ClinVar variation 3760270 (VCV003760270.2).